The following is an entry in ClinVar:

ClinVar aggregate classification (germline): Uncertain significance. Review status: criteria provided, multiple submitters, no conflicts (2 of 4 stars). 2 submissions from 2 submitters: Uncertain significance (2). Last evaluated 2024-07-01.

Conditions:
Hereditary cancer-predisposing syndrome. Also called: Neoplastic Syndromes, Hereditary; Hereditary Cancer Syndrome; Tumor predisposition; Hereditary neoplastic syndrome. Identifiers: Orphanet 140162, MedGen C0027672, MeSH D009386, MONDO:0015356.
Tuberous sclerosis 2 (TSC2). Identifiers: Orphanet 805, MedGen C1860707, MONDO:0013199, OMIM 613254.

Submissions (2):

Labcorp Genetics (formerly Invitae), Labcorp
Classification: Uncertain significance for Tuberous sclerosis 2. Last evaluated: 2024-07-01. Review status: criteria provided, single submitter. Criteria: Invitae Variant Classification Sherloc (09022015). Collection method: clinical testing. Allele origin: germline.
Comment: This sequence change replaces histidine, which is basic and polar, with glutamine, which is neutral and polar, at codon 627 of the TSC2 protein (p.His627Gln). This variant is not present in population databases (gnomAD no frequency). This variant has not been reported in the literature in individuals affected with TSC2-related conditions. ClinVar contains an entry for this variant (Variation ID: 1436796). Advanced modeling of protein sequence and biophysical properties (such as structural, functional, and spatial information, amino acid conservation, physicochemical variation, residue mobility, and thermodynamic stability) performed at Invitae indicates that this missense variant is not expected to disrupt TSC2 protein function with a negative predictive value of 95%. In summary, the available evidence is currently insufficient to determine the role of this variant in disease. Therefore, it has been classified as a Variant of Uncertain Significance.

Ambry Genetics
Classification: Uncertain significance for Hereditary cancer-predisposing syndrome. Last evaluated: 2022-12-14. Review status: criteria provided, single submitter. Criteria: Ambry Variant Classification Scheme 2023. Collection method: clinical testing. Allele origin: germline.
Comment: The p.H627Q variant (also known as c.1881C>A), located in coding exon 17 of the TSC2 gene, results from a C to A substitution at nucleotide position 1881. The histidine at codon 627 is replaced by glutamine, an amino acid with highly similar properties. This amino acid position is conserved. In addition, the in silico prediction for this alteration is inconclusive. Since supporting evidence is limited at this time, the clinical significance of this alteration remains unclear.

NM_000548.5(TSC2):c.1881C>A (p.His627Gln)

Gene: TSC2 (TSC complex subunit 2; plus strand). Cytogenetic location: 16p13.3.
Variant type: single nucleotide variant.
Coding change: c.1881C>A on transcript NM_000548.5 (MANE Select); coding-DNA position 1881, C replaced by A.
Protein change: p.His627Gln; replaces histidine 627 with glutamine.
Molecular consequence: missense variant.
Genome position (GRCh38, 1-based): chr16:2,071,551, C>A. VCF-style: chr16-2071551-C-A. GRCh37 (hg19) VCF-style: chr16-2121552-C-A.
Other names: c.1770C>A, p.His590Gln (NM_001318827.2); c.1734C>A, p.His578Gln (NM_001318829.2); c.1881C>A, p.His627Gln (NM_001077183.3, NM_001114382.3, NM_001363528.2 and 3 more transcripts); c.1281C>A, p.His427Gln (NM_001318831.2); c.1914C>A, p.His638Gln (NM_001318832.2); c.1881C>A (NM_000548.3); short protein forms H578Q, H638Q, H590Q, H627Q, H427Q.
Identifiers: ClinVar variation 1436796 (VCV001436796.9), dbSNP rs967430707, ClinGen allele CA394273105.
Genomic context (GRCh38, chr16:2,071,551, plus strand): 5'-ACCATCCTCTTCCTGACAGGCCTTTGACTTCCTGTTGCTGCTGCGGGCCGACTCACTGCA[C>A]CGCCTGGGCCTGCCCAACAAGGATGGAGTCGTGCGGTTCAGCCCCTACTGCGTCTGCGAC-3'
Protein context (NP_000539.2, residues 617-637): FLLLLRADSL[His627Gln]RLGLPNKDGV